The following is an entry in ClinVar:

NM_000152.5(GAA):c.634del (p.Glu212fs)

Gene: GAA (alpha glucosidase; plus strand). Cytogenetic location: 17q25.3.
Variant type: Deletion.
Coding change: c.634del on transcript NM_000152.5 (MANE Select); coding-DNA position 634, one base deleted (G; older notation c.634delG).
Protein change: p.Glu212fs; shifts the reading frame from glutamic acid 212.
Molecular consequence: frameshift variant.
Genome position (GRCh38, 1-based): chr17:80,105,836, G deleted; the last of 2 consecutive G bases (chr17:80,105,835-80,105,836); deleting either gives the same sequence. VCF-style (leftmost placement, unchanged base first): chr17-80105834-TG-T. GRCh37 (hg19) VCF-style: chr17-78079633-TG-T.
Other names: c.634del, p.Glu212fs (NM_001079803.3, NM_001079804.3, NM_001406741.1 and 1 more transcripts); short protein forms E212fs.
Identifiers: ClinVar variation 5015990 (VCV005015990.1).

ClinVar aggregate classification (germline): Pathogenic (1 of 4 stars; one submission).

Conditions:
Glycogen storage disease, type II (IOPD). Also called: CARDIOMEGALIA GLYCOGENICA DIFFUSA; GLYCOGENOSIS, GENERALIZED, CARDIAC FORM; GSD II; Glycogen storage disease type 2; Acid maltase deficiency disease; Aglucosidase alfa. Identifiers: Orphanet 365, MedGen C0017921, MONDO:0009290, OMIM 232300.

Submission:

Myriad Genetics, Inc.
Classification: Pathogenic for Glycogen storage disease, type II. Last evaluated: 2026-06-04. Review status: criteria provided, single submitter. Criteria: Myriad Autosomal Dominant, Autosomal Recessive and X-Linked Classification Criteria (2023). Collection method: clinical testing. Allele origin: unknown.
Comment: NM_000152.3(GAA):c.634delG(E212Sfs*9) is expected to be pathogenic in the context of Pompe disease. This variant is predicted to lead to an abnormal or absent protein product due to the creation of a premature termination codon in GAA, a gene where loss-of-function variants are known to be pathogenic. Please note: this variant was assessed in the context of healthy population screening.